The following is an entry in ClinVar:

ClinVar aggregate classification (germline): Uncertain significance. Review status: criteria provided, multiple submitters, no conflicts (2 of 4 stars). 3 submissions from 3 submitters: Uncertain significance (3). Last evaluated 2024-11-30.

Conditions:
Arrhythmogenic right ventricular dysplasia 10. Also called: Arrhythmogenic Right Ventricular Dysplasia/Cardiomyopathy10; ARRHYTHMOGENIC RIGHT VENTRICULAR DYSPLASIA, FAMILIAL, 10; Arrhythmogenic right ventricular dysplasia/cardiomyopathy, type 10. Identifiers: MedGen C1857777, MONDO:0012434, OMIM 610193.
Cardiovascular phenotype. Identifiers: MedGen CN230736.
Cardiomyopathy (CMYO). Also called: Cardiomyopathies. Identifiers: Orphanet 167848, MedGen C0878544, MONDO:0004994, HP:0001638. Inheritance: Various modes of inheritance.

Allele frequency attached by ClinVar (database versions not stated): gnomAD exomes below 0.00001 and 0.00001; ExAC 0.00002.
gnomAD v4.1: 6 of 1,614,064 alleles (0.00037%); highest among the groups gnomAD compares: South Asian, 0.0022%; no homozygotes.

Submissions (3):

Ambry Genetics
Classification: Uncertain significance for Cardiovascular phenotype. Last evaluated: 2024-11-30. Review status: criteria provided, single submitter. Criteria: Ambry Variant Classification Scheme 2023. Collection method: clinical testing. Allele origin: germline.
Comment: The p.I704T variant (also known as c.2111T>C), located in coding exon 14 of the DSG2 gene, results from a T to C substitution at nucleotide position 2111. The isoleucine at codon 704 is replaced by threonine, an amino acid with similar properties. This amino acid position is conserved. In addition, this alteration is predicted to be tolerated by in silico analysis. Based on the available evidence, the clinical significance of this variant remains unclear.

Labcorp Genetics (formerly Invitae), Labcorp
Classification: Uncertain significance for Arrhythmogenic right ventricular dysplasia 10. Last evaluated: 2024-10-10. Review status: criteria provided, single submitter. Criteria: Invitae Variant Classification Sherloc (09022015). Collection method: clinical testing. Allele origin: germline.
Comment: This sequence change replaces isoleucine, which is neutral and non-polar, with threonine, which is neutral and polar, at codon 704 of the DSG2 protein (p.Ile704Thr). This variant is present in population databases (rs759420598, gnomAD 0.006%). This variant has not been reported in the literature in individuals affected with DSG2-related conditions. ClinVar contains an entry for this variant (Variation ID: 920612). Invitae Evidence Modeling of protein sequence and biophysical properties (such as structural, functional, and spatial information, amino acid conservation, physicochemical variation, residue mobility, and thermodynamic stability) indicates that this missense variant is not expected to disrupt DSG2 protein function with a negative predictive value of 95%. In summary, the available evidence is currently insufficient to determine the role of this variant in disease. Therefore, it has been classified as a Variant of Uncertain Significance.

Color Diagnostics, LLC DBA Color Health
Classification: Uncertain significance for Cardiomyopathy. Last evaluated: 2023-12-05. Review status: criteria provided, single submitter. Criteria: ACMG Guidelines, 2015. Collection method: clinical testing. Allele origin: germline.
Comment: This missense variant replaces isoleucine with threonine at codon 704 of the DSG2 protein. Computational prediction tools and conservation analyses suggest that this variant may not impact the protein function. Computational splicing tools suggest that this variant may not impact RNA splicing. To our knowledge, functional assays have not been performed for this variant nor has this variant been reported in individuals affected with cardiovascular disorders in the literature. This variant has been identified in 3/249446 chromosomes in the general population by the Genome Aggregation Database (gnomAD). Available evidence is insufficient to determine the role of this variant in disease conclusively. Therefore, this variant is classified as a Variant of Uncertain Significance.

NM_001943.5(DSG2):c.2111T>C (p.Ile704Thr)

Genes: DSG2 (desmoglein 2; plus strand), DSG2-AS1 (DSG2 antisense RNA 1; minus strand). Cytogenetic location: 18q12.1.
Variant type: single nucleotide variant.
Coding change: c.2111T>C on transcript NM_001943.5 (MANE Select); coding-DNA position 2111, T replaced by C.
Protein change: p.Ile704Thr; replaces isoleucine 704 with threonine.
Molecular consequence: missense variant.
Genome position (GRCh38, 1-based): chr18:31,542,629, T>C. VCF-style: chr18-31542629-T-C. GRCh37 (hg19) VCF-style: chr18-29122592-T-C.
Other names: c.2111T>C (NM_001943.3); short protein forms I704T.
Identifiers: ClinVar variation 920612 (VCV000920612.13), dbSNP rs759420598, ClinGen allele CA044887.
Genomic context (GRCh38, chr18:31,542,629, plus strand): 5'-GAAATGGAGTAGGAGGTATGGCCAAGGAAGCCACGATGAAAGGAAGTAGCTCTGCTTCCA[T>C]TGTCAAAGGGCAACATGAGATGTCCGAGATGGATGGAAGGTGGGAAGAACACAGAAGCCT-3'
Protein context (NP_001934.2, residues 694-714): ATMKGSSSAS[Ile704Thr]VKGQHEMSEM